The following is an entry in ClinVar:

ClinVar aggregate classification (germline): Likely pathogenic (1 of 4 stars; one submission).

Submission:

Labcorp Genetics (formerly Invitae), Labcorp
Classification: Likely pathogenic. Last evaluated: 2023-11-27. Review status: criteria provided, single submitter. Criteria: Invitae Variant Classification Sherloc (09022015). Collection method: clinical testing. Allele origin: germline.
Comment: A copy number gain of the genomic region encompassing the full coding sequence of the SEPT9 gene has been identified. The boundaries of this event are unknown as they extend beyond the assayed region for this gene and therefore may encompass additional genes. As the precise location of this event is unknown, it may be in tandem or it may be located elsewhere in the genome. A similar copy number variant has been observed in individuals with hereditary neuralgic amyotrophy (PMID: 19939853; Invitae). It has also been observed to segregate with disease in related individuals. In summary, the currently available evidence indicates that the variant is pathogenic, but additional data are needed to prove that conclusively. Therefore, this variant has been classified as Likely Pathogenic.

Literature cited by the submitters: PubMed 19939853.

NC_000017.10:g.(?_75316409)_(75494740_?)dup

Gene: SEPTIN9 (septin 9; plus strand). Cytogenetic location: 17q25.3.
Variant type: Duplication.
Identifiers: ClinVar variation 2445497 (VCV002445497.2).